The following is an entry in ClinVar:

NM_001023570.4(IQCB1):c.493C>G (p.Gln165Glu)

Gene: IQCB1 (IQ motif containing B1; minus strand). Cytogenetic location: 3q13.33.
Variant type: single nucleotide variant.
Coding change: c.493C>G on transcript NM_001023570.4 (MANE Select); coding-DNA position 493, C replaced by G.
Protein change: p.Gln165Glu; replaces glutamine 165 with glutamic acid.
Molecular consequence: missense variant. On other transcripts: non-coding transcript variant (1).
Genome position (GRCh38, 1-based): chr3:121,807,438, G>C on the plus strand (C>G on the coding strand, the complement: IQCB1 is on the minus strand). VCF-style: chr3-121807438-G-C. GRCh37 (hg19) VCF-style: chr3-121526285-G-C.
Other names: c.493C>G, p.Gln165Glu (NM_001023571.4, NM_001319107.2); short protein forms Q165E.
Identifiers: ClinVar variation 939829 (VCV000939829.9), dbSNP rs781508757, ClinGen allele CA354105842.

ClinVar aggregate classification (germline): Uncertain significance (1 of 4 stars; one submission).

Conditions:
Nephronophthisis. Also called: Juvenile Nephronophthisis. Identifiers: Orphanet 655, MedGen C0687120, MONDO:0019005, HP:0000090.

Submission:

Labcorp Genetics (formerly Invitae), Labcorp
Classification: Uncertain significance for Nephronophthisis. Last evaluated: 2022-03-10. Review status: criteria provided, single submitter. Criteria: Invitae Variant Classification Sherloc (09022015). Collection method: clinical testing. Allele origin: germline.
Comment: This variant has not been reported in the literature in individuals affected with IQCB1-related conditions. In summary, the available evidence is currently insufficient to determine the role of this variant in disease. Therefore, it has been classified as a Variant of Uncertain Significance. Algorithms developed to predict the effect of sequence changes on RNA splicing suggest that this variant may create or strengthen a splice site. Algorithms developed to predict the effect of missense changes on protein structure and function are either unavailable or do not agree on the potential impact of this missense change (SIFT: "Deleterious"; PolyPhen-2: "Benign"; Align-GVGD: "Class C0"). ClinVar contains an entry for this variant (Variation ID: 939829). This variant is not present in population databases (gnomAD no frequency). This sequence change replaces glutamine, which is neutral and polar, with glutamic acid, which is acidic and polar, at codon 165 of the IQCB1 protein (p.Gln165Glu).